The following is an entry in ClinVar:

NM_024589.3(ROGDI):c.86C>T (p.Ala29Val)

Gene: ROGDI (rogdi atypical leucine zipper; minus strand). Cytogenetic location: 16p13.3.
Variant type: single nucleotide variant.
Coding change: c.86C>T on transcript NM_024589.3 (MANE Select); coding-DNA position 86, C replaced by T.
Protein change: p.Ala29Val; replaces alanine 29 with valine.
Molecular consequence: missense variant. On other transcripts: non-coding transcript variant (1).
Genome position (GRCh38, 1-based): chr16:4,802,413, G>A on the plus strand (C>T on the coding strand, the complement: ROGDI is on the minus strand). VCF-style: chr16-4802413-G-A. GRCh37 (hg19) VCF-style: chr16-4852414-G-A.
Other names: short protein forms A29V.
Identifiers: ClinVar variation 1024847 (VCV001024847.8), dbSNP rs987992601, ClinGen allele CA277142858.

ClinVar aggregate classification (germline): Uncertain significance (1 of 4 stars; one submission).

Conditions:
Amelocerebrohypohidrotic syndrome (KTZS). Also called: Kohlschutter's syndrome; EPILEPSY AND YELLOW TEETH; EPILEPSY, DEMENTIA, AND AMELOGENESIS IMPERFECTA; KOHLSCHUTTER SYNDROME. Identifiers: Orphanet 1946, MedGen C0406740, MONDO:0009185, OMIM 226750.

Allele frequency attached by ClinVar (database versions not stated): TOPMed 0.00001.
gnomAD v4.1: 2 of 1,540,634 alleles (0.00013%); highest among the groups gnomAD compares: Admixed American, 0.002%; no homozygotes.

Submission:

Labcorp Genetics (formerly Invitae), Labcorp
Classification: Uncertain significance for Amelocerebrohypohidrotic syndrome. Last evaluated: 2020-06-05. Review status: criteria provided, single submitter. Criteria: Invitae Variant Classification Sherloc (09022015). Collection method: clinical testing. Allele origin: germline.
Comment: The frequency data for this variant in the population databases is considered unreliable, as metrics indicate insufficient coverage at this position in the ExAC database. This variant has not been reported in the literature in individuals with ROGDI-related conditions. Algorithms developed to predict the effect of missense changes on protein structure and function are either unavailable or do not agree on the potential impact of this missense change (SIFT: "Deleterious"; PolyPhen-2: "Benign"; Align-GVGD: "Class C0"). In summary, the available evidence is currently insufficient to determine the role of this variant in disease. Therefore, it has been classified as a Variant of Uncertain Significance. This sequence change replaces alanine with valine at codon 29 of the ROGDI protein (p.Ala29Val). The alanine residue is highly conserved and there is a small physicochemical difference between alanine and valine.